The following is an entry in ClinVar:

NM_020066.5(FMN2):c.2979C>T (p.Pro993=)

Gene: FMN2 (formin 2; plus strand). Cytogenetic location: 1q43.
Variant type: single nucleotide variant.
Coding change: c.2979C>T on transcript NM_020066.5 (MANE Select); coding-DNA position 2979, C replaced by T.
Protein change: p.Pro993=; no amino-acid change (proline 993 retained).
Molecular consequence: synonymous variant. On other transcripts: intron variant (1).
Genome position (GRCh38, 1-based): chr1:240,207,791, C>T. VCF-style: chr1-240207791-C-T. GRCh37 (hg19) VCF-style: chr1-240371091-C-T.
Other names: c.2991C>T, p.Pro997= (NM_001305424.2); c.1986+19529C>T (NM_001348094.2); c.2979C>T (NM_020066.4).
Identifiers: ClinVar variation 2570757 (VCV002570757.28), dbSNP rs751443109, ClinGen allele CA1476950.

ClinVar aggregate classification (germline): Likely benign. Review status: criteria provided, multiple submitters, no conflicts (2 of 4 stars). 2 submissions from 2 submitters: Likely benign (2). Last evaluated 2025-04-01.

Conditions:
FMN2-related disorder. Also called: FMN2-related condition.

Allele frequency attached by ClinVar (database versions not stated): ExAC 0.00001; gnomAD 0.00004.

Submissions (2):

CeGaT Center for Human Genetics Tuebingen
Classification: Likely benign. Last evaluated: 2025-04-01. Review status: criteria provided, single submitter. Criteria: CeGaT Center For Human Genetics Tuebingen Variant Classification Criteria Version 2. Collection method: clinical testing. Allele origin: germline. Affected: yes. Observed: 4 variant alleles.
Comment: FMN2: BP4, BP7

PreventionGenetics, part of Exact Sciences
Classification: Likely benign for FMN2-related condition. Last evaluated: 2022-01-06. Review status: criteria provided, single submitter. Criteria: ACMG Guidelines, 2015. Collection method: clinical testing. Allele origin: germline.
Comment: This variant is classified as likely benign based on ACMG/AMP sequence variant interpretation guidelines (Richards et al. 2015 PMID: 25741868, with internal and published modifications).